The following is an entry in ClinVar:

ClinVar aggregate classification (germline): Likely pathogenic. Review status: criteria provided, multiple submitters, no conflicts (2 of 4 stars). 2 submissions from 2 submitters: Likely pathogenic (2). Last evaluated 2026-08-11.

Conditions:
Imerslund-Grasbeck syndrome type 1 (IGS1). Also called: Megaloblastic anemia 1, Finnish type; MEGALOBLASTIC ANEMIA, 1; Imerslund-Gräsbeck syndrome 1. Identifiers: MedGen C4016819, MONDO:0100156, OMIM 261100.
Proteinuria, chronic benign. Identifiers: MedGen C5394384, MONDO:0030042, OMIM 618884.
CUBN-related disorder. Also called: CUBN-related condition.

Submissions (2):

PreventionGenetics, part of Exact Sciences
Classification: Likely pathogenic for CUBN-related condition. Last evaluated: 2026-08-11. Review status: criteria provided, single submitter. Criteria: ACMG Guidelines, 2015. Collection method: clinical testing. Allele origin: germline.
Comment: The CUBN c.9556_9557delGT variant is predicted to result in a frameshift and premature protein termination (p.Val3186Metfs*26). To our knowledge, this variant has not been reported in the literature. This variant is reported in 0.0080% of alleles in individuals of African descent in gnomAD. Frameshift variants in CUBN are expected to be pathogenic. This variant is interpreted as likely pathogenic.

Fulgent Genetics
Classification: Likely pathogenic for Imerslund-Grasbeck syndrome type 1; Proteinuria, chronic benign. Last evaluated: 2024-03-28. Review status: criteria provided, single submitter. Criteria: ACMG Guidelines, 2015. Collection method: clinical testing. Allele origin: germline.

NM_001081.4(CUBN):c.9556_9557del (p.Val3186fs)

Gene: CUBN (cubilin; minus strand). Cytogenetic location: 10p13.
Variant type: Microsatellite.
Coding change: c.9556_9557del on transcript NM_001081.4 (MANE Select); coding-DNA positions 9556 to 9557, 2 bases deleted (GT; older notation c.9556_9557delGT).
Protein change: p.Val3186fs; shifts the reading frame from valine 3186.
Molecular consequence: frameshift variant.
Genome position (GRCh38, 1-based): chr10:16,851,341-16,851,342, AC deleted on the plus strand (GT on the coding strand, the reverse complement: CUBN is on the minus strand); deleting any 2 consecutive bases within chr10:16,851,341-16,851,345 gives the same sequence; the c. name uses the placement nearest the transcript's 3' end. VCF-style (leftmost placement, unchanged base first): chr10-16851340-TAC-T. GRCh37 (hg19) VCF-style: chr10-16893339-TAC-T.
Other names: c.9556_9557delGT (NM_001081.3); short protein forms V3186fs.
Identifiers: ClinVar variation 3591782 (VCV003591782.2).